The following is an entry in ClinVar:

ClinVar aggregate classification (germline): Uncertain significance (1 of 4 stars; one submission).

Conditions:
Primary ciliary dyskinesia 6. Also called: Primary Ciliary Dyskinesia 6: TXNDC3-Related Primary Ciliary Dyskinesia. Identifiers: Orphanet 244, MedGen C1970506, MONDO:0012571, OMIM 610852.

gnomAD v4.1: 5 of 1,601,134 alleles (0.00031%); highest among the groups gnomAD compares: Non-Finnish European, 0.00043%; no homozygotes.

Submission:

Labcorp Genetics (formerly Invitae), Labcorp
Classification: Uncertain significance for Primary ciliary dyskinesia 6. Last evaluated: 2025-10-22. Review status: criteria provided, single submitter. Criteria: Invitae Variant Classification Sherloc (09022015). Collection method: clinical testing. Allele origin: germline.
Comment: This sequence change replaces serine, which is neutral and polar, with threonine, which is neutral and polar, at codon 143 of the NME8 protein (p.Ser143Thr). This variant is not present in population databases (gnomAD no frequency). This variant has not been reported in the literature in individuals affected with NME8-related conditions. Invitae Evidence Modeling of protein sequence and biophysical properties (such as structural, functional, and spatial information, amino acid conservation, physicochemical variation, residue mobility, and thermodynamic stability) indicates that this missense variant is not expected to disrupt NME8 protein function with a negative predictive value of 80%. In summary, the available evidence is currently insufficient to determine the role of this variant in disease. Therefore, it has been classified as a Variant of Uncertain Significance.

NM_016616.5(NME8):c.428G>C (p.Ser143Thr)

Gene: NME8 (NME/NM23 family member 8; plus strand). Cytogenetic location: 7p14.1.
Variant type: single nucleotide variant.
Coding change: c.428G>C on transcript NM_016616.5 (MANE Select); coding-DNA position 428, G replaced by C.
Protein change: p.Ser143Thr; replaces serine 143 with threonine.
Molecular consequence: missense variant.
Genome position (GRCh38, 1-based): chr7:37,863,436, G>C. VCF-style: chr7-37863436-G-C. GRCh37 (hg19) VCF-style: chr7-37903038-G-C.
Other names: short protein forms S143T.
Identifiers: ClinVar variation 4744635 (VCV004744635.1).